The following is an entry in ClinVar:

NM_002303.6(LEPR):c.614T>G (p.Leu205Arg)

Gene: LEPR (leptin receptor; plus strand). Cytogenetic location: 1p31.3.
Variant type: single nucleotide variant.
Coding change: c.614T>G on transcript NM_002303.6 (MANE Select); coding-DNA position 614, T replaced by G.
Protein change: p.Leu205Arg; replaces leucine 205 with arginine.
Molecular consequence: missense variant.
Genome position (GRCh38, 1-based): chr1:65,592,776, T>G. VCF-style: chr1-65592776-T-G. GRCh37 (hg19) VCF-style: chr1-66058459-T-G.
Other names: c.614T>G, p.Leu205Arg (NM_001003679.3, NM_001003680.3, NM_001198687.2 and 2 more transcripts); short protein forms L205R.
Identifiers: ClinVar variation 4986312 (VCV004986312.1).

ClinVar aggregate classification (germline): Uncertain significance (1 of 4 stars; one submission).

Conditions:
LEPR-related disorder. Also called: LEPR-related disorders; LEPR-related condition.

gnomAD v4.1: 2 of 1,613,384 alleles (0.00012%); highest among the groups gnomAD compares: Non-Finnish European, 0.00017%; no homozygotes.

Submission:

PreventionGenetics, part of Exact Sciences
Classification: Uncertain significance for LEPR-related condition. Last evaluated: 2024-12-03. Review status: criteria provided, single submitter. Criteria: ACMG Guidelines, 2015. Collection method: clinical testing. Allele origin: germline.
Comment: The LEPR c.614T>G variant is predicted to result in the amino acid substitution p.Leu205Arg. To our knowledge, this variant has not been reported in the literature or in a large population database (gnomAD), indicating this variant is rare. At this time, the clinical significance of this variant is uncertain due to the absence of conclusive functional and genetic evidence.